The following is an entry in ClinVar:

ClinVar aggregate classification (germline): Likely pathogenic (1 of 4 stars; one submission).

Conditions:
Lissencephaly due to TUBA1A mutation (CDCBM16). Also called: Lissencephaly 3; CORTICAL DYSPLASIA, COMPLEX, WITH OTHER BRAIN MALFORMATIONS 16. Identifiers: Orphanet 171680, MedGen C4305153, MONDO:0012703, OMIM 611603.

Submission:

Variantyx, Inc.
Classification: Likely pathogenic for Lissencephaly due to TUBA1A mutation. Last evaluated: 2025-10-31. Review status: criteria provided, single submitter. Criteria: Variantyx Assertion Criteria 2022. Collection method: clinical testing. Allele origin: de novo. Inheritance: Autosomal dominant inheritance. Affected: yes.
Comment: This is a nonsynonymous variant in the TUBA1A gene (OMIM: 602529). Pathogenic variants in this gene have been associated with autosomal dominant lissencephaly 3. The clinical symptoms reported for this proband are highly specific for autosomal dominant lissencephaly 3, which has a limited genetic etiology (PP4). The alteration lies within a known hotspot for pathogenic variants or a well-established critical functional domain of the TUBA1A protein (PMID: 30744660, 20466733) (PM1). Multiple computational algorithms predict a deleterious effect for this variant (REVEL score: 0.713) (PP3). This variant is absent from control populations (PM2). Based on the current evidence, this variant is classified as likely pathogenic for autosomal dominant lissencephaly 3.

Literature cited by the submitters: PubMed 30744660; PubMed 20466733.

NM_006009.4(TUBA1A):c.289G>C (p.Glu97Gln)

Gene: TUBA1A (tubulin alpha 1a; minus strand). Cytogenetic location: 12q13.12.
Variant type: single nucleotide variant.
Coding change: c.289G>C on transcript NM_006009.4 (MANE Select); coding-DNA position 289, G replaced by C.
Protein change: p.Glu97Gln; replaces glutamic acid 97 with glutamine.
Molecular consequence: missense variant.
Genome position (GRCh38, 1-based): chr12:49,186,396, C>G on the plus strand (G>C on the coding strand, the complement: TUBA1A is on the minus strand). VCF-style: chr12-49186396-C-G. GRCh37 (hg19) VCF-style: chr12-49580179-C-G.
Other names: c.289G>C, p.Glu97Gln (NM_001270399.2); c.184G>C, p.Glu62Gln (NM_001270400.2); short protein forms E62Q, E97Q.
Identifiers: ClinVar variation 4850180 (VCV004850180.1).
Genomic context (GRCh38, chr12:49,186,396, plus strand): 5'-GGTCAATGATCTCCTTGCCAATGGTGTAGTGCCCTCGGGCATAGTTATTGGCAGCATCTT[C>G]TTTGCCTGTGATAAGTTGCTCAGGGTGGAAGAGCTGGCGGTAGGTGCCAGTGCGAACTTC-3'
Protein context (NP_006000.2, residues 87-107): FHPEQLITGK[Glu97Gln]DAANNYARGH